The following is an entry in ClinVar:

ClinVar aggregate classification (germline): Uncertain significance (1 of 4 stars; one submission).

Conditions:
Wiedemann-Steiner syndrome (WDSTS). Also called: Growth deficiency and mental retardation with facial dysmorphism. Identifiers: Orphanet 319182, MedGen C1854630, MONDO:0011518, OMIM 605130.

Allele frequency attached by ClinVar (database versions not stated): gnomAD exomes below 0.00001.
gnomAD v4.1: 2 of 1,611,664 alleles (0.00012%); highest among the groups gnomAD compares: Middle Eastern, 0.017%; no homozygotes.

Submission:

MGZ Medical Genetics Center
Classification: Uncertain significance for Wiedemann-Steiner syndrome. Last evaluated: 2021-08-13. Review status: criteria provided, single submitter. Criteria: ACMG Guidelines, 2015. Collection method: clinical testing. Allele origin: germline. Affected: yes. Observed: 1 variant allele.
Comment: ACMG criteria applied: PM2_SUP, PP2

NM_001197104.2(KMT2A):c.2070G>A (p.Met690Ile)

Gene: KMT2A (lysine methyltransferase 2A; plus strand). Cytogenetic location: 11q23.3.
Variant type: single nucleotide variant.
Coding change: c.2070G>A on transcript NM_001197104.2 (MANE Select); coding-DNA position 2070, G replaced by A.
Protein change: p.Met690Ile; replaces methionine 690 with isoleucine.
Molecular consequence: missense variant.
Genome position (GRCh38, 1-based): chr11:118,473,229, G>A. VCF-style: chr11-118473229-G-A. GRCh37 (hg19) VCF-style: chr11-118343944-G-A.
Other names: c.2070G>A, p.Met690Ile (NM_005933.4); short protein forms M690I.
Identifiers: ClinVar variation 1709876 (VCV001709876.2), dbSNP rs2134266087, ClinGen allele CA382812383.